The following is an entry in ClinVar:

ClinVar aggregate classification (germline): Uncertain significance (1 of 4 stars; one submission).

gnomAD v4.1: 98 of 1,597,348 alleles (0.0061%); highest among the groups gnomAD compares: Non-Finnish European, 0.0079%; no homozygotes.

Submission:

Ambry Genetics
Classification: Uncertain significance. Last evaluated: 2025-10-22. Review status: criteria provided, single submitter. Criteria: Ambry Variant Classification Scheme 2023. Collection method: clinical testing. Allele origin: germline.
Comment: The c.1342C>T (p.R448W) alteration is located in exon (coding exon ) of the SH3RF3 gene. This alteration results from a C to T substitution at nucleotide position 1342, causing the arginine (R) at amino acid position 448 to be replaced by a tryptophan (W). Based on insufficient or conflicting evidence, the clinical significance of this alteration remains unclear.

NM_001099289.3(SH3RF3):c.1342C>T (p.Arg448Trp)

Genes: RANBP2 (RAN binding protein 2; plus strand), SH3RF3 (SH3 domain containing ring finger 3; plus strand). Cytogenetic location: 2q13.
Variant type: single nucleotide variant.
Coding change: c.1342C>T on transcript NM_001099289.3 (MANE Select); coding-DNA position 1342, C replaced by T.
Protein change: p.Arg448Trp; replaces arginine 448 with tryptophan.
Molecular consequence: missense variant.
Genome position (GRCh38, 1-based): chr2:109,419,581, C>T. VCF-style: chr2-109419581-C-T. GRCh37 (hg19) VCF-style: chr2-110036037-C-T.
Other names: short protein forms R448W.
Identifiers: ClinVar variation 4583332 (VCV004583332.1).